The following is an entry in ClinVar:

NM_002890.3(RASA1):c.1333-1G>T

Genes: CCNH (cyclin H; minus strand), RASA1 (RAS p21 protein activator 1; plus strand). Cytogenetic location: 5q14.3.
Variant type: single nucleotide variant.
Coding change: c.1333-1G>T on transcript NM_002890.3 (MANE Select); the canonical splice acceptor site of the intron before coding-DNA position 1333, G replaced by T.
Molecular consequence: splice acceptor variant. On other transcripts: intron variant (1).
Genome position (GRCh38, 1-based): chr5:87,362,550, G>T. VCF-style: chr5-87362550-G-T. GRCh37 (hg19) VCF-style: chr5-86658367-G-T.
Other names: c.802-1G>T (NM_022650.3); c.933+32494C>A (NM_001364075.2).
Identifiers: ClinVar variation 3340436 (VCV003340436.1).

ClinVar aggregate classification (germline): Pathogenic (1 of 4 stars; one submission).

Conditions:
Capillary malformation-arteriovenous malformation 1 (CMAVM1). Identifiers: Orphanet 137667, Orphanet 693907, MedGen C4747394, MONDO:0020783, OMIM 608354.

Submission:

Seattle Children's Hospital Molecular Genetics Laboratory, Seattle Children's Hospital
Classification: Pathogenic for Capillary malformation-arteriovenous malformation 1. Review status: criteria provided, single submitter. Criteria: ACMG Guidelines, 2015. Collection method: clinical testing. Allele origin: somatic. Affected: yes.
Comment: The c.1333-1G>T variant disrupts a splice acceptor site and is predicted to result in skipping of exons 10 and 11 and loss of protein function. The c.1333-1G>T variant is absent the medical literature, patient databases, and from large population studies (gnomAD v4.1.0)). While this variant appears to be novel, other variants within this intron predicted to impact splicing have been reported in affected individuals (PMID: 18446851, ClinVar Variation ID: 945919).